The following is an entry in ClinVar:

NM_001080467.3(MYO5B):c.548T>C (p.Val183Ala)

Gene: MYO5B (myosin VB; minus strand). Cytogenetic location: 18q21.1.
Variant type: single nucleotide variant.
Coding change: c.548T>C on transcript NM_001080467.3 (MANE Select); coding-DNA position 548, T replaced by C.
Protein change: p.Val183Ala; replaces valine 183 with alanine.
Molecular consequence: missense variant.
Genome position (GRCh38, 1-based): chr18:50,001,319, A>G on the plus strand (T>C on the coding strand, the complement: MYO5B is on the minus strand). VCF-style: chr18-50001319-A-G. GRCh37 (hg19) VCF-style: chr18-47527689-A-G.
Other names: short protein forms V183A.
Identifiers: ClinVar variation 3297886 (VCV003297886.3).

ClinVar aggregate classification (germline): Uncertain significance. Review status: criteria provided, multiple submitters, no conflicts (2 of 4 stars). 3 submissions from 3 submitters: Uncertain significance (3). Last evaluated 2026-09-13.

Conditions:
Cholestasis, progressive familial intrahepatic, 10 (PFIC10). Identifiers: MedGen C5676981, MONDO:0030810, OMIM 619868.
Congenital microvillous atrophy (DIAR2). Also called: CONGENITAL FAMILIAL PROTRACTED DIARRHEA WITH ENTEROCYTE BRUSH-BORDER ABNORMALITIES; DAVIDSON DISEASE; MICROVILLUS ATROPHY, CONGENITAL; Microvillus inclusion disease; Diarrhea 2 with microvillus atrophy, with or without cholestasis. Identifiers: Orphanet 2290, MedGen C0341306, MONDO:0009635, OMIM 251850.
MYO5B-related disorder. Also called: MYO5B-related condition.
Inborn genetic diseases. Identifiers: MedGen C0950123, MeSH D030342.

gnomAD v4.1: 50 of 1,614,032 alleles (0.0031%); highest among the groups gnomAD compares: Admixed American, 0.083%; no homozygotes.

Submissions (3):

PreventionGenetics, part of Exact Sciences
Classification: Uncertain significance for MYO5B-related condition. Last evaluated: 2026-09-13. Review status: criteria provided, single submitter. Criteria: ACMG Guidelines, 2015. Collection method: clinical testing. Allele origin: germline.
Comment: The MYO5B c.548T>C variant is predicted to result in the amino acid substitution p.Val183Ala. To our knowledge, this variant has not been reported in the literature. This variant is reported in 0.032% of alleles in individuals of Latino descent in gnomAD. Although we suspect that this variant may be benign, at this time, the clinical significance of this variant is uncertain due to the absence of conclusive functional and genetic evidence.

Ambry Genetics
Classification: Uncertain significance for Inborn genetic diseases. Last evaluated: 2024-06-07. Review status: criteria provided, single submitter. Criteria: Ambry Variant Classification Scheme 2023. Collection method: clinical testing. Allele origin: germline.

Fulgent Genetics
Classification: Uncertain significance for Congenital microvillous atrophy; Cholestasis, progressive familial intrahepatic, 10. Last evaluated: 2024-03-25. Review status: criteria provided, single submitter. Criteria: ACMG Guidelines, 2015. Collection method: clinical testing. Allele origin: germline.